The following is an entry in ClinVar:

NM_005263.5(GFI1):c.754G>A (p.Gly252Ser)

Gene: GFI1 (growth factor independent 1 transcriptional repressor; minus strand). Cytogenetic location: 1p22.1.
Variant type: single nucleotide variant.
Coding change: c.754G>A on transcript NM_005263.5 (MANE Select); coding-DNA position 754, G replaced by A.
Protein change: p.Gly252Ser; replaces glycine 252 with serine.
Molecular consequence: missense variant.
Genome position (GRCh38, 1-based): chr1:92,480,633, C>T on the plus strand (G>A on the coding strand, the complement: GFI1 is on the minus strand). VCF-style: chr1-92480633-C-T. GRCh37 (hg19) VCF-style: chr1-92946190-C-T.
Other names: c.754G>A, p.Gly252Ser (NM_001127215.3, NM_001127216.3); short protein forms G252S.
Identifiers: ClinVar variation 4029370 (VCV004029370.1).

ClinVar aggregate classification (germline): Uncertain significance (1 of 4 stars; one submission).

Submission:

Ambry Genetics
Classification: Uncertain significance. Last evaluated: 2025-03-24. Review status: criteria provided, single submitter. Criteria: Ambry Variant Classification Scheme 2023. Collection method: clinical testing. Allele origin: germline.
Comment: The p.G252S variant (also known as c.754G>A), located in coding exon 3 of the GFI1 gene, results from a G to A substitution at nucleotide position 754. The glycine at codon 252 is replaced by serine, an amino acid with similar properties. This amino acid position is conserved. In addition, this alteration is predicted to be tolerated by in silico analysis. Based on the available evidence, the clinical significance of this variant remains unclear.